The following is an entry in ClinVar:

NM_000092.5(COL4A4):c.2992C>T (p.Gln998Ter)

Gene: COL4A4 (collagen type IV alpha 4 chain; minus strand). Cytogenetic location: 2q36.3.
Variant type: single nucleotide variant.
Coding change: c.2992C>T on transcript NM_000092.5 (MANE Select); coding-DNA position 2992, C replaced by T.
Protein change: p.Gln998Ter; replaces glutamine 998 with a stop codon.
Molecular consequence: nonsense.
Genome position (GRCh38, 1-based): chr2:227,051,135, G>A on the plus strand (C>T on the coding strand, the complement: COL4A4 is on the minus strand). VCF-style: chr2-227051135-G-A. GRCh37 (hg19) VCF-style: chr2-227915851-G-A.
Other names: short protein forms Q998*.
Identifiers: ClinVar variation 984050 (VCV000984050.3), dbSNP rs1974009894, ClinGen allele CA350839254.

ClinVar aggregate classification (germline): Likely pathogenic (1 of 4 stars; one submission).

Conditions:
Autosomal recessive Alport syndrome (ATS2). Also called: ALPORT SYNDROME 2, AUTOSOMAL RECESSIVE; Alport syndrome type 2; COL4A4 Alport Syndrome and Thin Basement Membrane Nephropathy; COL4A3-Related Nephropathy. Identifiers: Orphanet 63, Orphanet 88919, MedGen C4746745, MONDO:0008762, OMIM 203780.

Submission:

Myriad Genetics, Inc.
Classification: Likely pathogenic for Autosomal recessive Alport syndrome. Last evaluated: 2019-09-30. Review status: criteria provided, single submitter. Criteria: Myriad Women's Health Autosomal Recessive and X-Linked Classification Criteria (2019). Collection method: clinical testing. Allele origin: unknown.
Comment: NM_000092.4(COL4A4):c.2992C>T(Q998*) is expected to be pathogenic in the context of COL4A4-related Alport syndrome. This variant is predicted to lead to an abnormal or absent protein product due to the creation of a premature termination codon in COL4A4, a gene where loss-of-function variants are known to be pathogenic. Please note: this variant was assessed in the context of healthy population screening.